The following is an entry in ClinVar:

ClinVar aggregate classification (germline): Uncertain significance (1 of 4 stars; one submission).

Conditions:
Duchenne muscular dystrophy (DMD). Also called: Duchenne Muscular Dystrophy (DMD); MUSCULAR DYSTROPHY, PSEUDOHYPERTROPHIC PROGRESSIVE, DUCHENNE TYPE. Identifiers: Orphanet 98896, MedGen C0013264, MONDO:0010679, OMIM 310200.

Submission:

Labcorp Genetics (formerly Invitae), Labcorp
Classification: Uncertain significance for Duchenne muscular dystrophy. Last evaluated: 2023-09-15. Review status: criteria provided, single submitter. Criteria: Invitae Variant Classification Sherloc (09022015). Collection method: clinical testing. Allele origin: germline.
Comment: This variant results in a copy number gain of the genomic region encompassing exon(s) 51-52 of the DMD gene. While the exact position of this variant cannot be determined from the data, sub-genic copy number gains are generally in tandem (PMID: 25640679). This variant is predicted to be in-frame, and likely preserves the integrity of the reading frame. A similar copy number variant has been observed in individuals with Becker muscular dystrophy and/or Duchenne muscular dystrophy (PMID: 3101180, 17259292, 31705731). In summary, the available evidence is currently insufficient to determine the role of this variant in disease. Therefore, it has been classified as a Variant of Uncertain Significance.

Literature cited by the submitters: PubMed 25640679; PubMed 3101180; PubMed 17259292; PubMed 31705731.

NC_000023.10:g.(?_31747728)_(31792329_?)dup

Gene: DMD (dystrophin; minus strand). Cytogenetic location: Xp21.1.
Variant type: Duplication.
Identifiers: ClinVar variation 1447313 (VCV001447313.5).